The following is an entry in ClinVar:

NM_000548.5(TSC2):c.336+377T>C

Gene: TSC2 (TSC complex subunit 2; plus strand). Cytogenetic location: 16p13.3.
Variant type: single nucleotide variant.
Coding change: c.336+377T>C on transcript NM_000548.5 (MANE Select); 377 bases into the intron after coding-DNA position 336, T replaced by C.
Molecular consequence: intron variant.
Genome position (GRCh38, 1-based): chr16:2,053,829, T>C. VCF-style: chr16-2053829-T-C. GRCh37 (hg19) VCF-style: chr16-2103830-T-C.
Other names: c.336+377T>C (NM_001114382.3, NM_021055.3, NM_001370405.1 and 3 more transcripts); c.226-467T>C (NM_001318827.2); c.-1-2367T>C (NM_001318831.2); c.189+377T>C (NM_001318829.2); c.369+377T>C (NM_001318832.2).
Identifiers: ClinVar variation 133429 (VCV000133429.1), dbSNP rs79357051, ClinGen allele CA018998.

ClinVar aggregate classification (germline): not provided (0 of 4 stars; one submission).

Allele frequency attached by ClinVar (database versions not stated): 1000 Genomes Project 30x 0.00375; 1000 Genomes Project 0.00419; gnomAD 0.00575 and 0.00590; TOPMed 0.00659; gnomAD exomes 0.00708 and 0.00818; ExAC 0.00878.
gnomAD v4.1: 3,802 of 505,252 alleles (0.75%); highest among the groups gnomAD compares: Middle Eastern, 4.5%; 27 homozygotes.

Submission:

ITMI
No classification provided. Condition: AllHighlyPenetrant. Last evaluated: 2013-09-19. Review status: no classification provided. Collection method: reference population. Allele origin: germline.
Comment: Please see associated publication for description of ethnicities

Literature cited by the submitters: PubMed 24728327.